The following is an entry in ClinVar:

ClinVar aggregate classification (germline): Benign (0 of 4 stars; one submission).

Conditions:
OAS1-related disorder. Also called: OAS1-related condition.

Allele frequency attached by ClinVar (database versions not stated): ExAC 0.67950; TOPMed 0.75268; gnomAD exomes 0.67541; gnomAD 0.74256; 1000 Genomes Project 0.78335; 1000 Genomes Project 30x 0.78685.

Submission:

PreventionGenetics, part of Exact Sciences
Classification: Benign for OAS1-related condition. Last evaluated: 2019-05-17. Review status: no assertion criteria provided. Collection method: clinical testing. Allele origin: germline.
Comment: This variant is classified as benign based on ACMG/AMP sequence variant interpretation guidelines (Richards et al. 2015 PMID: 25741868, with internal and published modifications).

NM_001320151.2(OAS1):c.1072del (p.Thr358fs)

Gene: OAS1 (2'-5'-oligoadenylate synthetase 1; plus strand). Cytogenetic location: 12q24.13.
Variant type: Deletion.
Coding change: c.1072del on transcript NM_001320151.2; coding-DNA position 1072, one base deleted (A; older notation c.1072delA).
Protein change: p.Thr358fs; shifts the reading frame from threonine 358.
Molecular consequence: frameshift variant. On other transcripts: non-coding transcript variant (1).
Genome position (GRCh38, 1-based): chr12:112,931,911, A deleted. VCF-style (leftmost placement, unchanged base first): chr12-112931910-TA-T. GRCh37 (hg19) VCF-style: chr12-113369715-TA-T.
Other names: c.1048del, p.Thr350fs (NM_001406025.1); short protein forms T350fs, T358fs.
Identifiers: ClinVar variation 3058877 (VCV003058877.2), dbSNP rs11352835, ClinGen allele CA6800064.